The following is an entry in ClinVar:

NM_015294.6(TRIM37):c.2258-1G>A

Gene: TRIM37 (tripartite motif containing 37; minus strand). Cytogenetic location: 17q22.
Variant type: single nucleotide variant.
Coding change: c.2258-1G>A on transcript NM_015294.6 (MANE Select); the canonical splice acceptor site of the intron before coding-DNA position 2258, G replaced by A.
Molecular consequence: splice acceptor variant.
Genome position (GRCh38, 1-based): chr17:59,017,425, C>T on the plus strand (G>A on the coding strand, the complement: TRIM37 is on the minus strand). VCF-style: chr17-59017425-C-T. GRCh37 (hg19) VCF-style: chr17-57094786-C-T.
Other names: c.2258-1G>A (NM_001320989.3, NM_001005207.5, NM_001320988.3 and 1 more transcripts); c.1796-1G>A (NM_001353085.2); c.2156-1G>A (NM_001320987.3, NM_001353082.2); c.2207-1G>A (NM_001353086.2); c.1523-1G>A (NM_001353083.2); c.1892-1G>A (NM_001320990.3).
Identifiers: ClinVar variation 1909642 (VCV001909642.5), dbSNP rs1312837709, ClinGen allele CA400391333.

ClinVar aggregate classification (germline): Likely pathogenic (1 of 4 stars; one submission).

Allele frequency attached by ClinVar (database versions not stated): gnomAD exomes below 0.00001; gnomAD 0.00001; TOPMed 0.00001.
gnomAD v4.1: 5 of 1,613,792 alleles (0.00031%); highest among the groups gnomAD compares: Non-Finnish European, 0.00034%; no homozygotes.

Submission:

Labcorp Genetics (formerly Invitae), Labcorp
Classification: Likely pathogenic. Last evaluated: 2023-11-16. Review status: criteria provided, single submitter. Criteria: Invitae Variant Classification Sherloc (09022015). Collection method: clinical testing. Allele origin: germline.
Comment: This sequence change affects an acceptor splice site in intron 19 of the TRIM37 gene. It is expected to disrupt RNA splicing. Variants that disrupt the donor or acceptor splice site typically lead to a loss of protein function (PMID: 16199547), and loss-of-function variants in TRIM37 are known to be pathogenic (PMID: 10888877, 15108285). This variant is present in population databases (no rsID available, gnomAD 0.007%). This variant has not been reported in the literature in individuals affected with TRIM37-related conditions. ClinVar contains an entry for this variant (Variation ID: 1909642). Algorithms developed to predict the effect of sequence changes on RNA splicing suggest that this variant may disrupt the consensus splice site. In summary, the currently available evidence indicates that the variant is pathogenic, but additional data are needed to prove that conclusively. Therefore, this variant has been classified as Likely Pathogenic.

Literature cited by the submitters: PubMed 16199547; PubMed 10888877; PubMed 15108285.